The following is an entry in ClinVar:

NM_030943.4(AMN):c.1288A>C (p.Lys430Gln)

Gene: AMN (amnion associated transmembrane protein; plus strand). Cytogenetic location: 14q32.32.
Variant type: single nucleotide variant.
Coding change: c.1288A>C on transcript NM_030943.4 (MANE Select); coding-DNA position 1288, A replaced by C.
Protein change: p.Lys430Gln; replaces lysine 430 with glutamine.
Molecular consequence: missense variant.
Genome position (GRCh38, 1-based): chr14:102,930,606, A>C. VCF-style: chr14-102930606-A-C. GRCh37 (hg19) VCF-style: chr14-103396943-A-C.
Other names: c.1126A>C, p.Lys376Gln (NM_001425246.1); short protein forms K376Q, K430Q.
Identifiers: ClinVar variation 2725946 (VCV002725946.3), dbSNP rs2542703114, ClinGen allele CA391084351.

ClinVar aggregate classification (germline): Uncertain significance (1 of 4 stars; one submission).

Conditions:
Imerslund-Grasbeck syndrome. Also called: ENTEROCYTE COBALAMIN MALABSORPTION; ENTEROCYTE INTRINSIC FACTOR RECEPTOR, DEFECT OF; PERNICIOUS ANEMIA, JUVENILE, DUE TO SELECTIVE INTESTINAL MALABSORPTION OF VITAMIN B12, WITH PROTEINURIA; Megaloblastic anemia due to inborn errors of metabolism; Imerslund-Gräsbeck syndrome. Identifiers: Orphanet 35858, MedGen C4551825, MONDO:0009853.

Allele frequency attached by ClinVar (database versions not stated): gnomAD exomes below 0.00001.
gnomAD v4.1: 1 of 1,589,772 alleles (0.000063%); highest among the groups gnomAD compares: East Asian, 0.0023%; no homozygotes.

Submission:

Labcorp Genetics (formerly Invitae), Labcorp
Classification: Uncertain significance for Imerslund-Grasbeck syndrome. Last evaluated: 2023-08-17. Review status: criteria provided, single submitter. Criteria: Invitae Variant Classification Sherloc (09022015). Collection method: clinical testing. Allele origin: germline.
Comment: Advanced modeling of protein sequence and biophysical properties (such as structural, functional, and spatial information, amino acid conservation, physicochemical variation, residue mobility, and thermodynamic stability) performed at Invitae indicates that this missense variant is not expected to disrupt AMN protein function. In summary, the available evidence is currently insufficient to determine the role of this variant in disease. Therefore, it has been classified as a Variant of Uncertain Significance. This variant has not been reported in the literature in individuals affected with AMN-related conditions. This sequence change replaces lysine, which is basic and polar, with glutamine, which is neutral and polar, at codon 430 of the AMN protein (p.Lys430Gln). This variant is not present in population databases (gnomAD no frequency).